The following is an entry in ClinVar:

ClinVar aggregate classification (germline): Uncertain significance. Review status: criteria provided, multiple submitters, no conflicts (2 of 4 stars). 8 submissions from 8 submitters: Uncertain significance (8). Last evaluated 2025-12-20.

Conditions:
Familial thoracic aortic aneurysm and aortic dissection (TAAD). Also called: Thoracic aortic aneurysms and dissections. Identifiers: Orphanet 91387, MedGen C4707243, MONDO:0019625.
Visceral myopathy 2. Identifiers: MedGen C5543466, MONDO:0859157, OMIM 619350.
Megacystis-microcolon-intestinal hypoperistalsis syndrome 2. Identifiers: MedGen C5543476, MONDO:0025708, OMIM 619351.
Aortic aneurysm, familial thoracic 4 (AAT4). Also called: AORTIC ANEURYSM/AORTIC DISSECTION AND PATENT DUCTUS ARTERIOSUS. Identifiers: MedGen C1851504, MONDO:0007568, OMIM 132900.

Allele frequency attached by ClinVar (database versions not stated): gnomAD 0.00001; TOPMed 0.00002; gnomAD exomes 0.00008 and 0.00013; ExAC 0.00018.
gnomAD v4.1: 184 of 1,614,078 alleles (0.011%); highest among the groups gnomAD compares: Non-Finnish European, 0.015%; 1 homozygote.

Submissions (8):

Labcorp Genetics (formerly Invitae), Labcorp
Classification: Uncertain significance for Aortic aneurysm, familial thoracic 4. Last evaluated: 2025-12-20. Review status: criteria provided, single submitter. Criteria: Invitae Variant Classification Sherloc (09022015). Collection method: clinical testing. Allele origin: germline.
Comment: This sequence change replaces serine, which is neutral and polar, with phenylalanine, which is neutral and non-polar, at codon 1821 of the MYH11 protein (p.Ser1821Phe). This variant is present in population databases (rs759033733, gnomAD 0.02%). This variant has not been reported in the literature in individuals affected with MYH11-related conditions. ClinVar contains an entry for this variant (Variation ID: 618231). Invitae Evidence Modeling of protein sequence and biophysical properties (such as structural, functional, and spatial information, amino acid conservation, physicochemical variation, residue mobility, and thermodynamic stability) indicates that this missense variant is not expected to disrupt MYH11 protein function with a negative predictive value of 95%. In summary, the available evidence is currently insufficient to determine the role of this variant in disease. Therefore, it has been classified as a Variant of Uncertain Significance.

Color Diagnostics, LLC DBA Color Health
Classification: Uncertain significance for Familial thoracic aortic aneurysm and aortic dissection. Last evaluated: 2025-12-15. Review status: criteria provided, single submitter. Criteria: ACMG Guidelines, 2015. Collection method: clinical testing. Allele origin: germline.
Comment: This missense variant replaces serine with phenylalanine at codon 1821 of the MYH11 protein. Computational prediction suggests that this variant may not impact protein structure and function. To our knowledge, functional studies have not been reported for this variant. This variant has not been reported in individuals affected with cardiovascular disorders in the literature. This variant has been identified in 21/251390 chromosomes in the general population by the Genome Aggregation Database (gnomAD). The available evidence is insufficient to determine the role of this variant in disease conclusively. Therefore, this variant is classified as a Variant of Uncertain Significance.

Mayo Clinic Laboratories, Mayo Clinic
Classification: Uncertain significance. Last evaluated: 2025-05-28. Review status: criteria provided, single submitter. Criteria: ACMG Guidelines, 2015. Collection method: clinical testing. Allele origin: germline. Observed: 1 variant allele.

Ambry Genetics
Classification: Uncertain significance for Familial thoracic aortic aneurysm and aortic dissection. Last evaluated: 2025-05-14. Review status: criteria provided, single submitter. Criteria: Ambry Variant Classification Scheme 2023. Collection method: clinical testing. Allele origin: germline.
Comment: The p.S1814F variant (also known as c.5441C>T), located in coding exon 37 of the MYH11 gene, results from a C to T substitution at nucleotide position 5441. The serine at codon 1814 is replaced by phenylalanine, an amino acid with highly dissimilar properties. This amino acid position is not well conserved in available vertebrate species. In addition, the in silico prediction for this alteration is inconclusive. Since supporting evidence is limited at this time, the clinical significance of this alteration remains unclear.

All of Us Research Program, National Institutes of Health
Classification: Uncertain significance for Familial thoracic aortic aneurysm and aortic dissection. Last evaluated: 2024-09-03. Review status: criteria provided, single submitter. Criteria: ACMG Guidelines, 2015. Collection method: clinical testing. Allele origin: germline. Inheritance: Autosomal dominant inheritance. Observed: 9 variant alleles, 9 heterozygotes.
Comment: This missense variant replaces serine with phenylalanine at codon 1821 of the MYH11 protein. Computational prediction suggests that this variant may not impact protein structure and function (internally defined REVEL score threshold <= 0.5, PMID: 27666373). To our knowledge, functional studies have not been reported for this variant. This variant has not been reported in individuals affected with cardiovascular disorders in the literature. This variant has been identified in 21/251390 chromosomes in the general population by the Genome Aggregation Database (gnomAD). The available evidence is insufficient to determine the role of this variant in disease conclusively. Therefore, this variant is classified as a Variant of Uncertain Significance.

This study involves interpretation of variants in research participants for the purpose of population health screening. Participant phenotype was not available at the time of variant classification. Additional details can be found in publication PMID: 35346344, PMCID: PMC8962531

Fulgent Genetics
Classification: Uncertain significance for Aortic aneurysm, familial thoracic 4; Visceral myopathy 2; Megacystis-microcolon-intestinal hypoperistalsis syndrome 2. Last evaluated: 2021-09-07. Review status: criteria provided, single submitter. Criteria: ACMG Guidelines, 2015. Collection method: clinical testing. Allele origin: unknown.

GeneDx
Classification: Uncertain significance. Last evaluated: 2018-12-27. Review status: criteria provided, single submitter. Criteria: GeneDx Variant Classification Process June 2021. Collection method: clinical testing. Allele origin: germline. Affected: yes.
Comment: Has not been previously published as pathogenic or benign to our knowledge; In silico analysis, which includes protein predictors and evolutionary conservation, supports a deleterious effect

ARUP Laboratories, Molecular Genetics and Genomics, ARUP Laboratories
Classification: Uncertain significance. Last evaluated: 2017-12-20. Review status: criteria provided, single submitter. Criteria: ARUP Molecular Germline Variant Investigation Process. Collection method: clinical testing. Allele origin: germline.

NM_002474.3(MYH11):c.5441C>T (p.Ser1814Phe)

Genes: NDE1 (nudE neurodevelopment protein 1; plus strand), MYH11 (myosin heavy chain 11; minus strand). Cytogenetic location: 16p13.11.
Variant type: single nucleotide variant.
Coding change: c.5441C>T on transcript NM_002474.3 (MANE Select); coding-DNA position 5441, C replaced by T.
Protein change: p.Ser1814Phe; replaces serine 1814 with phenylalanine.
Molecular consequence: missense variant. On other transcripts: intron variant (2).
Genome position (GRCh38, 1-based): chr16:15,717,203, G>A on the plus strand (C>T on the coding strand, the complement: MYH11 is on the minus strand). VCF-style: chr16-15717203-G-A. GRCh37 (hg19) VCF-style: chr16-15811060-G-A.
Other names: p.Ser1821Phe; c.5462C>T, p.Ser1821Phe (NM_001040113.2, NM_001040114.2); c.5441C>T, p.Ser1814Phe (NM_022844.3); c.948-6988G>A (NM_001143979.2, NM_017668.3); short protein forms S1814F, S1821F.
Identifiers: ClinVar variation 618231 (VCV000618231.27), dbSNP rs759033733, ClinGen allele CA7921272.
Genomic context (GRCh38, chr16:15,717,203, plus strand): 5'-GCCTCCTGCTCGACCTGCTCCTCCAGCTGTGCAATCTTGGCCTCCAGCGCCGCGATGGTG[G>A]ACTTGAACTTGGACTTGACGGCCCCCTCCATCTCGTGGAGCTTGCTCCGGAGCTCCTTGT-3'
Protein context (NP_002465.1, residues 1804-1824): MEGAVKSKFK[Ser1814Phe]TIAALEAKIA